The following is an entry in ClinVar:

ClinVar aggregate classification (germline): Likely benign. Review status: criteria provided, single submitter (1 of 4 stars). 2 submissions from 2 submitters: Likely benign (1). 1 of the submissions does not count toward it. Last evaluated 2025-09-02.

Conditions:
IFT74-related disorder. Also called: IFT74-related condition; IFT74-Related Disorders.

Allele frequency attached by ClinVar (database versions not stated): gnomAD exomes 0.00002; ExAC 0.00003; ESP Exome Variant Server 0.00009; gnomAD 0.00009; TOPMed 0.00010; 1000 Genomes Project 30x 0.00031; 1000 Genomes Project 0.00040.
gnomAD v4.1: 34 of 1,532,578 alleles (0.0022%); highest among the groups gnomAD compares: African/African-American, 0.025%; no homozygotes.

Submissions (2):

Labcorp Genetics (formerly Invitae), Labcorp
Classification: Likely benign. Last evaluated: 2025-09-02. Review status: criteria provided, single submitter. Criteria: Invitae Variant Classification Sherloc (09022015). Collection method: clinical testing. Allele origin: germline.

PreventionGenetics, part of Exact Sciences
Classification: Likely benign for IFT74-related condition. Last evaluated: 2023-12-19. Review status: no assertion criteria provided. Collection method: clinical testing. Allele origin: germline. Not counted in ClinVar's aggregate classification.
Comment: This variant is classified as likely benign based on ACMG/AMP sequence variant interpretation guidelines (Richards et al. 2015 PMID: 25741868, with internal and published modifications).

NM_025103.4(IFT74):c.1055-9C>T

Gene: IFT74 (intraflagellar transport 74; plus strand). Cytogenetic location: 9p21.2.
Variant type: single nucleotide variant.
Coding change: c.1055-9C>T on transcript NM_025103.4 (MANE Select); 9 bases into the intron before coding-DNA position 1055, C replaced by T.
Molecular consequence: intron variant.
Genome position (GRCh38, 1-based): chr9:27,044,733, C>T. VCF-style: chr9-27044733-C-T. GRCh37 (hg19) VCF-style: chr9-27044731-C-T.
Other names: c.1055-9C>T (NM_001099223.3, NM_001099222.3, NM_001349928.2 and 1 more transcripts).
Identifiers: ClinVar variation 1602834 (VCV001602834.10), dbSNP rs369658347, ClinGen allele CA5015539.